The following is an entry in ClinVar:

ClinVar aggregate classification (germline): Uncertain significance. Review status: criteria provided, multiple submitters, no conflicts (2 of 4 stars). 2 submissions from 2 submitters: Uncertain significance (2). Last evaluated 2023-08-15.

Conditions:
Catecholaminergic polymorphic ventricular tachycardia 1. Also called: VENTRICULAR TACHYCARDIA, CATECHOLAMINERGIC POLYMORPHIC, 1, WITH OR WITHOUT ATRIAL DYSFUNCTION AND/OR DILATED CARDIOMYOPATHY; VENTRICULAR TACHYCARDIA, STRESS-INDUCED POLYMORPHIC 1; RYR2-Related Catecholaminergic Polymorphic Ventricular Tachycardia. Identifiers: Orphanet 3286, MedGen C1631597, MONDO:0011484, OMIM 604772.
Catecholaminergic polymorphic ventricular tachycardia (CVPT). Also called: Catecholamine-induced polymorphic ventricular tachycardia. Identifiers: Orphanet 3286, MedGen C5574922, MONDO:0017990.

Submissions (2):

All of Us Research Program, National Institutes of Health
Classification: Uncertain significance for Catecholaminergic polymorphic ventricular tachycardia. Last evaluated: 2023-08-15. Review status: criteria provided, single submitter. Criteria: ACMG Guidelines, 2015. Collection method: clinical testing. Allele origin: germline. Inheritance: Autosomal dominant inheritance. Observed: 2 variant alleles, 2 heterozygotes.
Comment: This study involves interpretation of variants in research participants for the purpose of population health screening. Participant phenotype was not available at the time of variant classification. Additional details can be found in publication PMID: 35346344, PMCID: PMC8962531

Labcorp Genetics (formerly Invitae), Labcorp
Classification: Uncertain significance for Catecholaminergic polymorphic ventricular tachycardia 1. Last evaluated: 2019-10-03. Review status: criteria provided, single submitter. Criteria: Invitae Variant Classification Sherloc (09022015). Collection method: clinical testing. Allele origin: germline.
Comment: This sequence change replaces lysine with glutamic acid at codon 4690 of the RYR2 protein (p.Lys4690Glu). The lysine residue is highly conserved and there is a small physicochemical difference between lysine and glutamic acid. In summary, the available evidence is currently insufficient to determine the role of this variant in disease. Therefore, it has been classified as a Variant of Uncertain Significance. Algorithms developed to predict the effect of missense changes on protein structure and function are either unavailable or do not agree on the potential impact of this missense change (SIFT: "Deleterious"; PolyPhen-2: "Benign"; Align-GVGD: "Class C0"). This variant has not been reported in the literature in individuals with RYR2-related conditions. This variant is not present in population databases (ExAC no frequency).

NM_001035.3(RYR2):c.14068A>G (p.Lys4690Glu)

Gene: RYR2 (ryanodine receptor 2; plus strand). Cytogenetic location: 1q43.
Variant type: single nucleotide variant.
Coding change: c.14068A>G on transcript NM_001035.3 (MANE Select); coding-DNA position 14068, A replaced by G.
Protein change: p.Lys4690Glu; replaces lysine 4690 with glutamic acid.
Molecular consequence: missense variant.
Genome position (GRCh38, 1-based): chr1:237,798,148, A>G. VCF-style: chr1-237798148-A-G. GRCh37 (hg19) VCF-style: chr1-237961448-A-G.
Other names: short protein forms K4690E.
Identifiers: ClinVar variation 964017 (VCV000964017.12), dbSNP rs912687349, ClinGen allele CA39838211.